The following is an entry in ClinVar:

ClinVar aggregate classification (germline): Likely pathogenic (1 of 4 stars; one submission).

Conditions:
Congenital short bowel syndrome, autosomal recessive. Identifiers: MedGen CN296805, MONDO:0020718, OMIM 615237.

Allele frequency attached by ClinVar (database versions not stated): gnomAD exomes below 0.00001.
gnomAD v4.1: 3 of 1,613,984 alleles (0.00019%); highest among the groups gnomAD compares: Non-Finnish European, 0.00025%; no homozygotes.

Submission:

Lifecell International Pvt. Ltd
Classification: Likely pathogenic for Congenital short bowel syndrome, autosomal recessive. Review status: criteria provided, single submitter. Criteria: ACMG Guidelines, 2015. Collection method: clinical testing. Allele origin: germline. Inheritance: Autosomal recessive inheritance. Affected: yes. Observed: 1 compound heterozygote.
Comment: A Heterozygous Nonsense variant c.574C>T in Exon 5 of the CLMP gene that results in the amino acid substitution p.Arg192* was identified. The observed variant has a minor allele frequency of 0.00000/--% in gnomAD exomes and genomes, respectively. The severity of the impact of this variant on the protein is high, based on the effect of the protein and REVEL score . Rare Exome Variant Ensemble Learner (REVEL) is an ensembl method for predicting the pathogenicity of missense variants based on a combination of scores from 13 individual tools: MutPred, FATHMM v2.3, VEST 3.0, PolyPhen-2, SIFT, PROVEAN, MutationAssessor, MutationTaster, LRT, GERP++, SiPhy, phyloP, and phastCons. The REVEL score for an individual missense variant can range from 0 to 1, with higher scores reflecting greater likelihood that the variant is disease-causing. Based on the above evidence this variant has been classified as Likely Pathogenic according to the ACMG guidelines.

NM_024769.5(CLMP):c.574C>T (p.Arg192Ter)

Gene: CLMP (CXADR like cell adhesion molecule; minus strand). Cytogenetic location: 11q24.1.
Variant type: single nucleotide variant.
Coding change: c.574C>T on transcript NM_024769.5 (MANE Select); coding-DNA position 574, C replaced by T.
Protein change: p.Arg192Ter; replaces arginine 192 with a stop codon.
Molecular consequence: nonsense.
Genome position (GRCh38, 1-based): chr11:123,083,190, G>A on the plus strand (C>T on the coding strand, the complement: CLMP is on the minus strand). VCF-style: chr11-123083190-G-A. GRCh37 (hg19) VCF-style: chr11-122953898-G-A.
Other names: short protein forms R192*.
Identifiers: ClinVar variation 2500824 (VCV002500824.1), dbSNP rs1394600425, ClinGen allele CA383062349.